The following is an entry in ClinVar:

NM_000089.4(COL1A2):c.3562A>G (p.Met1188Val)

Gene: COL1A2 (collagen type I alpha 2 chain; plus strand). Cytogenetic location: 7q21.3.
Variant type: single nucleotide variant.
Coding change: c.3562A>G on transcript NM_000089.4 (MANE Select); coding-DNA position 3562, A replaced by G.
Protein change: p.Met1188Val; replaces methionine 1188 with valine.
Molecular consequence: missense variant.
Genome position (GRCh38, 1-based): chr7:94,428,328, A>G. VCF-style: chr7-94428328-A-G. GRCh37 (hg19) VCF-style: chr7-94057640-A-G.
Other names: short protein forms M1188V.
Identifiers: ClinVar variation 2925736 (VCV002925736.3), dbSNP rs751066207, ClinGen allele CA4347790.

ClinVar aggregate classification (germline): Uncertain significance (1 of 4 stars; one submission).

Conditions:
Osteogenesis imperfecta type I (OI1). Also called: Lobstein disease; OI, TYPE I; OSTEOGENESIS IMPERFECTA TARDA; OSTEOGENESIS IMPERFECTA WITH BLUE SCLERAE; Osteogenesis imperfecta type 1; Lobstein's Disease. Identifiers: Orphanet 216796, Orphanet 666, MedGen C0023931, MONDO:0008146, OMIM 166200. Disease mechanism: loss of function.
Ehlers-Danlos syndrome, classic type, 1 (EDSCL1). Also called: EDS I; EHLERS-DANLOS SYNDROME, GRAVIS TYPE; EHLERS-DANLOS SYNDROME, SEVERE CLASSIC TYPE; Ehlers-Danlos syndrome, type 1; Ehlers-Danlos Syndrome, Classic Type, COL5A1-Related. Identifiers: MedGen C0268335, MONDO:0019567, OMIM 130000.

Allele frequency attached by ClinVar (database versions not stated): gnomAD exomes below 0.00001; TOPMed below 0.00001; ExAC 0.00001.

Submission:

Labcorp Genetics (formerly Invitae), Labcorp
Classification: Uncertain significance for Osteogenesis imperfecta type I; Ehlers-Danlos syndrome, classic type, 1. Last evaluated: 2025-12-10. Review status: criteria provided, single submitter. Criteria: Invitae Variant Classification Sherloc (09022015). Collection method: clinical testing. Allele origin: germline.
Comment: This sequence change replaces methionine, which is neutral and non-polar, with valine, which is neutral and non-polar, at codon 1188 of the COL1A2 protein (p.Met1188Val). This variant is present in population databases (rs751066207, gnomAD 0.003%). This variant has not been reported in the literature in individuals affected with COL1A2-related conditions. ClinVar contains an entry for this variant (Variation ID: 2925736). Invitae Evidence Modeling of protein sequence and biophysical properties (such as structural, functional, and spatial information, amino acid conservation, physicochemical variation, residue mobility, and thermodynamic stability) indicates that this missense variant is not expected to disrupt COL1A2 protein function with a negative predictive value of 95%. In summary, the available evidence is currently insufficient to determine the role of this variant in disease. Therefore, it has been classified as a Variant of Uncertain Significance.